The following is an entry in ClinVar:

NM_001077653.2(TBX20):c.1292C>A (p.Ala431Asp)

Gene: TBX20 (T-box transcription factor 20; minus strand). Cytogenetic location: 7p14.2.
Variant type: single nucleotide variant.
Coding change: c.1292C>A on transcript NM_001077653.2 (MANE Select); coding-DNA position 1292, C replaced by A.
Protein change: p.Ala431Asp; replaces alanine 431 with aspartic acid.
Molecular consequence: missense variant.
Genome position (GRCh38, 1-based): chr7:35,202,482, G>T on the plus strand (C>A on the coding strand, the complement: TBX20 is on the minus strand). VCF-style: chr7-35202482-G-T. GRCh37 (hg19) VCF-style: chr7-35242094-G-T.
Other names: short protein forms A431D.
Identifiers: ClinVar variation 3653202 (VCV003653202.2).

ClinVar aggregate classification (germline): Uncertain significance (1 of 4 stars; one submission).

Submission:

Labcorp Genetics (formerly Invitae), Labcorp
Classification: Uncertain significance. Last evaluated: 2024-05-13. Review status: criteria provided, single submitter. Criteria: Invitae Variant Classification Sherloc (09022015). Collection method: clinical testing. Allele origin: germline.
Comment: This sequence change replaces alanine, which is neutral and non-polar, with aspartic acid, which is acidic and polar, at codon 431 of the TBX20 protein (p.Ala431Asp). This variant is not present in population databases (gnomAD no frequency). This variant has not been reported in the literature in individuals affected with TBX20-related conditions. An algorithm developed to predict the effect of missense changes on protein structure and function (PolyPhen-2) suggests that this variant is likely to be disruptive. In summary, the available evidence is currently insufficient to determine the role of this variant in disease. Therefore, it has been classified as a Variant of Uncertain Significance.